The following is an entry in ClinVar:

ClinVar aggregate classification (germline): Uncertain significance. Review status: criteria provided, single submitter (1 of 4 stars). 2 submissions from 2 submitters: Uncertain significance (1). 1 of the submissions does not count toward it. Last evaluated 2024-09-16.

Conditions:
SETD2-related disorder.

gnomAD v4.1: 4 of 1,610,242 alleles (0.00025%); highest among the groups gnomAD compares: Admixed American, 0.0017%; no homozygotes.

Submissions (2):

GeneDx
Classification: Uncertain significance. Last evaluated: 2024-09-16. Review status: criteria provided, single submitter. Criteria: GeneDx Variant Classification Process June 2021. Collection method: clinical testing. Allele origin: germline. Affected: yes.
Comment: Not observed at significant frequency in large population cohorts (gnomAD); In silico analysis supports that this missense variant has a deleterious effect on protein structure/function; Has not been previously published as pathogenic or benign to our knowledge

PreventionGenetics, part of Exact Sciences
Classification: Uncertain significance for SETD2-related condition. Last evaluated: 2024-08-09. Review status: no assertion criteria provided. Collection method: clinical testing. Allele origin: germline. Not counted in ClinVar's aggregate classification.
Comment: The SETD2 c.1757A>G variant is predicted to result in the amino acid substitution p.His586Arg. To our knowledge, this variant has not been reported in the literature or in a large population database, indicating this variant is rare. At this time, the clinical significance of this variant is uncertain due to the absence of conclusive functional and genetic evidence.

NM_014159.7(SETD2):c.1757A>G (p.His586Arg)

Gene: SETD2 (SET domain containing 2, histone lysine methyltransferase; minus strand). Cytogenetic location: 3p21.31.
Variant type: single nucleotide variant.
Coding change: c.1757A>G on transcript NM_014159.7 (MANE Select); coding-DNA position 1757, A replaced by G.
Protein change: p.His586Arg; replaces histidine 586 with arginine.
Molecular consequence: missense variant. On other transcripts: non-coding transcript variant (1).
Genome position (GRCh38, 1-based): chr3:47,122,879, T>C on the plus strand (A>G on the coding strand, the complement: SETD2 is on the minus strand). VCF-style: chr3-47122879-T-C. GRCh37 (hg19) VCF-style: chr3-47164369-T-C.
Other names: c.1625A>G, p.His542Arg (NM_001349370.3); short protein forms H542R, H586R.
Identifiers: ClinVar variation 3345096 (VCV003345096.2).